The following is an entry in ClinVar:

ClinVar aggregate classification (germline): Uncertain significance. Review status: criteria provided, multiple submitters, no conflicts (2 of 4 stars). 2 submissions from 2 submitters: Uncertain significance (2). Last evaluated 2024-12-02.

Allele frequency attached by ClinVar (database versions not stated): gnomAD exomes 0.00030; ESP Exome Variant Server 0.00039; gnomAD 0.00039 and 0.00040; TOPMed 0.00040; ExAC 0.00073.
gnomAD v4.1: 649 of 1,478,836 alleles (0.044%); highest among the groups gnomAD compares: Middle Eastern, 0.12%; no homozygotes.

Submissions (2):

Labcorp Genetics (formerly Invitae), Labcorp
Classification: Uncertain significance. Last evaluated: 2024-12-02. Review status: criteria provided, single submitter. Criteria: Invitae Variant Classification Sherloc (09022015). Collection method: clinical testing. Allele origin: germline.
Comment: This sequence change replaces arginine, which is basic and polar, with glutamine, which is neutral and polar, at codon 568 of the TNK2 protein (p.Arg568Gln). This variant is present in population databases (rs34189351, gnomAD 0.07%), and has an allele count higher than expected for a pathogenic variant. This variant has not been reported in the literature in individuals affected with TNK2-related conditions. ClinVar contains an entry for this variant (Variation ID: 1424455). An algorithm developed to predict the effect of missense changes on protein structure and function outputs the following: PolyPhen-2: "Benign". The glutamine amino acid residue is found in multiple mammalian species, which suggests that this missense change does not adversely affect protein function. In summary, the available evidence is currently insufficient to determine the role of this variant in disease. Therefore, it has been classified as a Variant of Uncertain Significance.

Ambry Genetics
Classification: Uncertain significance. Last evaluated: 2021-07-28. Review status: criteria provided, single submitter. Criteria: Ambry Variant Classification Scheme 2023. Collection method: clinical testing. Allele origin: germline.

NM_001382273.1(TNK2):c.1514G>A (p.Arg505Gln)

Gene: TNK2 (tyrosine kinase non receptor 2; minus strand). Cytogenetic location: 3q29.
Variant type: single nucleotide variant.
Coding change: c.1514G>A on transcript NM_001382273.1 (MANE Select); coding-DNA position 1514, G replaced by A.
Protein change: p.Arg505Gln; replaces arginine 505 with glutamine.
Molecular consequence: missense variant. On other transcripts: non-coding transcript variant (15).
Genome position (GRCh38, 1-based): chr3:195,870,143, C>T on the plus strand (G>A on the coding strand, the complement: TNK2 is on the minus strand). VCF-style: chr3-195870143-C-T. GRCh37 (hg19) VCF-style: chr3-195597014-C-T.
Other names: c.1586G>A, p.Arg529Gln (NM_001010938.2, NM_001382272.1, NM_001387708.1 and 1 more transcripts); c.1610G>A, p.Arg537Gln (NM_001308046.2, NM_001382271.1, NM_001382275.1 and 1 more transcripts); c.1514G>A, p.Arg505Gln (NM_001382274.1, NM_001386164.1, NM_001387709.1 and 12 more transcripts); c.1703G>A (NM_001010938.1); short protein forms R505Q, R529Q, R537Q.
Identifiers: ClinVar variation 1424455 (VCV001424455.8), dbSNP rs34189351, ClinGen allele CA2776327.
Genomic context (GRCh38, chr3:195,870,143, plus strand): 5'-TAGGGACACCAGGGAGCAGAGGGGCTCTTACTTTTCACCCCTCCTAGATGCTGGGGGGGC[C>T]GGGAGGTGCTCAGTTCCACGCTCAGGAGGTCGGGGGGGTCCATGGGGTTTCCCAGATACA-3'
Protein context (NP_001369202.1, residues 495-515): DLLSVELSTS[Arg505Gln]PPQHLGGVKR